The following is an entry in ClinVar:

ClinVar aggregate classification (germline): Benign. Review status: criteria provided, multiple submitters, no conflicts (2 of 4 stars). 5 submissions from 4 submitters: Benign (5). Last evaluated 2022-03-15.

Conditions:
Fibromuscular dysplasia, multifocal. Identifiers: MedGen C5543412, MONDO:0859151, OMIM 619329.
Ehlers-Danlos syndrome, classic type, 1 (EDSCL1). Also called: Ehlers-Danlos Syndrome, Classic Type, COL5A1-Related; EHLERS-DANLOS SYNDROME, GRAVIS TYPE; EHLERS-DANLOS SYNDROME, SEVERE CLASSIC TYPE; Ehlers-Danlos syndrome, type 1; EDS I. Identifiers: MedGen C0268335, MONDO:0019567, OMIM 130000.

Allele frequency attached by ClinVar (database versions not stated): gnomAD 0.39915 and 0.39167; ExAC 0.45904; gnomAD exomes 0.47821 and 0.44688; ESP Exome Variant Server 0.37098; 1000 Genomes Project 30x 0.40537; 1000 Genomes Project 0.40875; TOPMed 0.40203.
gnomAD v4.1: 710,600 of 1,605,376 alleles (44%); highest among the groups gnomAD compares: Admixed American, 66%; 162,136 homozygotes.

Submissions (5):

Genome-Nilou Lab
Classification: Benign for Ehlers-Danlos syndrome, classic type, 1. Last evaluated: 2022-03-15. Review status: criteria provided, single submitter. Criteria: ACMG Guidelines, 2015. Collection method: clinical testing. Allele origin: germline. Affected: no.

Genome-Nilou Lab
Classification: Benign for Fibromuscular dysplasia, multifocal. Last evaluated: 2022-03-15. Review status: criteria provided, single submitter. Criteria: ACMG Guidelines, 2015. Collection method: clinical testing. Allele origin: germline. Affected: no.

GeneDx
Classification: Benign. Last evaluated: 2018-06-14. Review status: criteria provided, single submitter. Criteria: GeneDx Variant Classification (06012015). Collection method: clinical testing. Allele origin: germline. Affected: yes.
Comment: This variant is considered likely benign or benign based on one or more of the following criteria: it is a conservative change, it occurs at a poorly conserved position in the protein, it is predicted to be benign by multiple in silico algorithms, and/or has population frequency not consistent with disease.

Breakthrough Genomics
Classification: Benign. Review status: criteria provided, single submitter. Criteria: ACMG Guidelines, 2015. Collection method: not provided. Allele origin: germline. Inheritance: Autosomal dominant inheritance. Affected: yes.

PreventionGenetics, part of Exact Sciences
Classification: Benign. Review status: criteria provided, single submitter. Criteria: ACMG Guidelines, 2015. Collection method: clinical testing. Allele origin: germline.

NM_000093.5(COL5A1):c.925-43G>A

Gene: COL5A1 (collagen type V alpha 1 chain; plus strand). Cytogenetic location: 9q34.3.
Variant type: single nucleotide variant.
Coding change: c.925-43G>A on transcript NM_000093.5 (MANE Select); 43 bases into the intron before coding-DNA position 925, G replaced by A.
Molecular consequence: intron variant.
Genome position (GRCh38, 1-based): chr9:134,730,193, G>A. VCF-style: chr9-134730193-G-A. GRCh37 (hg19) VCF-style: chr9-137622039-G-A.
Other names: c.925-43G>A (NM_001278074.1).
Identifiers: ClinVar variation 255101 (VCV000255101.4), dbSNP rs3128598, ClinGen allele CA5318591.